The following is an entry in ClinVar:

ClinVar aggregate classification (germline): Uncertain significance (1 of 4 stars; one submission).

Allele frequency attached by ClinVar (database versions not stated): gnomAD exomes 0.00001.

Submission:

Labcorp Genetics (formerly Invitae), Labcorp
Classification: Uncertain significance. Last evaluated: 2022-04-21. Review status: criteria provided, single submitter. Criteria: Invitae Variant Classification Sherloc (09022015). Collection method: clinical testing. Allele origin: germline.
Comment: This sequence change replaces glutamic acid, which is acidic and polar, with lysine, which is basic and polar, at codon 524 of the DEF6 protein (p.Glu524Lys). The frequency data for this variant in the population databases is considered unreliable, as metrics indicate poor data quality at this position in the gnomAD database. In summary, the available evidence is currently insufficient to determine the role of this variant in disease. Therefore, it has been classified as a Variant of Uncertain Significance. Algorithms developed to predict the effect of missense changes on protein structure and function (SIFT, PolyPhen-2, Align-GVGD) all suggest that this variant is likely to be tolerated. This variant has not been reported in the literature in individuals affected with DEF6-related conditions.

NM_022047.4(DEF6):c.1570G>A (p.Glu524Lys)

Gene: DEF6 (DEF6 guanine nucleotide exchange factor; plus strand). Cytogenetic location: 6p21.31.
Variant type: single nucleotide variant.
Coding change: c.1570G>A on transcript NM_022047.4 (MANE Select); coding-DNA position 1570, G replaced by A.
Protein change: p.Glu524Lys; replaces glutamic acid 524 with lysine.
Molecular consequence: missense variant.
Genome position (GRCh38, 1-based): chr6:35,320,006, G>A. VCF-style: chr6-35320006-G-A. GRCh37 (hg19) VCF-style: chr6-35287783-G-A.
Other names: short protein forms E524K.
Identifiers: ClinVar variation 1931940 (VCV001931940.5), dbSNP rs1351585356, ClinGen allele CA363768519.
Genomic context (GRCh38, chr6:35,320,006, plus strand): 5'-TCCCTGCAGCAGGCCCAGCAGCAGCTGGAGGAGGTGCGGCAGAACCGGCAGAGGGCTGAC[G>A]AGGATGTGGAGGTGAGGCCTGGGGTGGGATGGGGTGGAGGCTGGCAGGGTGAGCTCATTA-3'
Protein context (NP_071330.3, residues 514-534): EVRQNRQRAD[Glu524Lys]DVEAAQRKLR